The following is an entry in ClinVar:

ClinVar aggregate classification (germline): Uncertain significance. Review status: criteria provided, multiple submitters, no conflicts (2 of 4 stars). 2 submissions from 2 submitters: Uncertain significance (2). Last evaluated 2025-04-28.

Conditions:
Hereditary cancer-predisposing syndrome. Also called: Neoplastic Syndromes, Hereditary; Tumor predisposition; Hereditary Cancer Syndrome; Hereditary neoplastic syndrome. Identifiers: Orphanet 140162, MedGen C0027672, MeSH D009386, MONDO:0015356.
Multiple endocrine neoplasia type 4. Also called: MULTIPLE ENDOCRINE NEOPLASIA, TYPE IV. Identifiers: Orphanet 276152, MedGen C1970712, MONDO:0012552, OMIM 610755.

Allele frequency attached by ClinVar (database versions not stated): gnomAD 0.00001.
gnomAD v4.1: 5 of 1,610,494 alleles (0.00031%); highest among the groups gnomAD compares: Non-Finnish European, 0.00042%; no homozygotes.

Submissions (2):

Ambry Genetics
Classification: Uncertain significance for Hereditary cancer-predisposing syndrome. Last evaluated: 2025-04-28. Review status: criteria provided, single submitter. Criteria: Ambry Variant Classification Scheme 2023. Collection method: clinical testing. Allele origin: germline.
Comment: The p.S138W variant (also known as c.413C>G), located in coding exon 1 of the CDKN1B gene, results from a C to G substitution at nucleotide position 413. The serine at codon 138 is replaced by tryptophan, an amino acid with highly dissimilar properties. This amino acid position is not well conserved in available vertebrate species. In addition, this alteration is predicted to be tolerated by in silico analysis. Based on the available evidence, the clinical significance of this variant remains unclear.

Labcorp Genetics (formerly Invitae), Labcorp
Classification: Uncertain significance for Multiple endocrine neoplasia type 4. Last evaluated: 2022-03-31. Review status: criteria provided, single submitter. Criteria: Invitae Variant Classification Sherloc (09022015). Collection method: clinical testing. Allele origin: germline.
Comment: This variant is present in population databases (no rsID available, gnomAD 0.02%). In summary, the available evidence is currently insufficient to determine the role of this variant in disease. Therefore, it has been classified as a Variant of Uncertain Significance. Algorithms developed to predict the effect of missense changes on protein structure and function are either unavailable or do not agree on the potential impact of this missense change (SIFT: "Deleterious"; PolyPhen-2: "Possibly Damaging"; Align-GVGD: "Class C15"). This variant has not been reported in the literature in individuals affected with CDKN1B-related conditions. This sequence change replaces serine, which is neutral and polar, with tryptophan, which is neutral and slightly polar, at codon 138 of the CDKN1B protein (p.Ser138Trp).

NM_004064.5(CDKN1B):c.413C>G (p.Ser138Trp)

Gene: CDKN1B (cyclin dependent kinase inhibitor 1B; plus strand). Cytogenetic location: 12p13.1.
Variant type: single nucleotide variant.
Coding change: c.413C>G on transcript NM_004064.5 (MANE Select); coding-DNA position 413, C replaced by G.
Protein change: p.Ser138Trp; replaces serine 138 with tryptophan.
Molecular consequence: missense variant.
Genome position (GRCh38, 1-based): chr12:12,718,252, C>G. VCF-style: chr12-12718252-C-G. GRCh37 (hg19) VCF-style: chr12-12871186-C-G.
Other names: short protein forms S138W.
Identifiers: ClinVar variation 1738140 (VCV001738140.8), dbSNP rs1218732639, ClinGen allele CA383970672.
Genomic context (GRCh38, chr12:12,718,252, plus strand): 5'-TAATTGGGGCTCCGGCTAACTCTGAGGACACGCATTTGGTGGACCCAAAGACTGATCCGT[C>G]GGACAGCCAGACGGGGTTAGCGGAGCAATGCGCAGGAATAAGGAAGCGACCTGCAACCGA-3'
Protein context (NP_004055.1, residues 128-148): THLVDPKTDP[Ser138Trp]DSQTGLAEQC